The following is an entry in ClinVar:

NM_000018.4(ACADVL):c.57C>G (p.Gly19=)

Genes: ACADVL (acyl-CoA dehydrogenase very long chain; plus strand), DLG4 (discs large MAGUK scaffold protein 4; minus strand). Cytogenetic location: 17p13.1.
Variant type: single nucleotide variant.
Coding change: c.57C>G on transcript NM_000018.4 (MANE Select); coding-DNA position 57, C replaced by G.
Protein change: p.Gly19=; no amino-acid change (glycine 19 retained).
Molecular consequence: synonymous variant. On other transcripts: 5 prime UTR variant (2), non-coding transcript variant (1), intron variant (1).
Genome position (GRCh38, 1-based): chr17:7,220,041, C>G. VCF-style: chr17-7220041-C-G. GRCh37 (hg19) VCF-style: chr17-7123360-C-G.
Other names: c.-1192G>C (NM_001321074.1); c.57C>G, p.Gly19= (NM_001033859.3); c.-247C>G (NM_001270448.2); c.132-81C>G (NM_001270447.2).
Identifiers: ClinVar variation 2135798 (VCV002135798.4), dbSNP rs760910297, ClinGen allele CA624693563.

ClinVar aggregate classification (germline): Uncertain significance (1 of 4 stars; one submission).

Conditions:
Very long chain acyl-CoA dehydrogenase deficiency (ACADVLD). Also called: VLCAD Deficiency; Very Long-Chain Acyl-Coenzyme A Dehydrogenase Deficiency. Identifiers: Orphanet 26793, MedGen C3887523, MONDO:0008723, OMIM 201475.

Submission:

Labcorp Genetics (formerly Invitae), Labcorp
Classification: Uncertain significance for Very long chain acyl-CoA dehydrogenase deficiency. Last evaluated: 2022-05-09. Review status: criteria provided, single submitter. Criteria: Invitae Variant Classification Sherloc (09022015). Collection method: clinical testing. Allele origin: germline.
Comment: In summary, the available evidence is currently insufficient to determine the role of this variant in disease. Therefore, it has been classified as a Variant of Uncertain Significance. This variant has not been reported in the literature in individuals affected with ACADVL-related conditions. This sequence change affects codon 19 of the ACADVL mRNA. It is a 'silent' change, meaning that it does not change the encoded amino acid sequence of the ACADVL protein. This variant is present in population databases (no rsID available, gnomAD 0.001%). Algorithms developed to predict the effect of sequence changes on RNA splicing suggest that this variant may disrupt the consensus splice site.